The following is an entry in ClinVar:

ClinVar aggregate classification (germline): Uncertain significance (1 of 4 stars; one submission).

Allele frequency attached by ClinVar (database versions not stated): ExAC 0.00001; TOPMed 0.00002.
gnomAD v4.1: 12 of 1,614,176 alleles (0.00074%); highest among the groups gnomAD compares: Admixed American, 0.01%; no homozygotes.

Submission:

Labcorp Genetics (formerly Invitae), Labcorp
Classification: Uncertain significance. Last evaluated: 2022-04-07. Review status: criteria provided, single submitter. Criteria: Invitae Variant Classification Sherloc (09022015). Collection method: clinical testing. Allele origin: germline.
Comment: This variant has not been reported in the literature in individuals affected with SLC16A1-related conditions. This variant is present in population databases (rs773868602, gnomAD 0.01%). This sequence change replaces arginine, which is basic and polar, with threonine, which is neutral and polar, at codon 386 of the SLC16A1 protein (p.Arg386Thr). Algorithms developed to predict the effect of missense changes on protein structure and function are either unavailable or do not agree on the potential impact of this missense change (SIFT: "Deleterious"; PolyPhen-2: "Probably Damaging"; Align-GVGD: "Class C0"). In summary, the available evidence is currently insufficient to determine the role of this variant in disease. Therefore, it has been classified as a Variant of Uncertain Significance.

NM_003051.4(SLC16A1):c.1157G>C (p.Arg386Thr)

Gene: SLC16A1 (solute carrier family 16 member 1; minus strand). Cytogenetic location: 1p13.2.
Variant type: single nucleotide variant.
Coding change: c.1157G>C on transcript NM_003051.4 (MANE Select); coding-DNA position 1157, G replaced by C.
Protein change: p.Arg386Thr; replaces arginine 386 with threonine.
Molecular consequence: missense variant.
Genome position (GRCh38, 1-based): chr1:112,917,249, C>G on the plus strand (G>C on the coding strand, the complement: SLC16A1 is on the minus strand). VCF-style: chr1-112917249-C-G. GRCh37 (hg19) VCF-style: chr1-113459871-C-G.
Other names: c.1157G>C, p.Arg386Thr (NM_001166496.2); short protein forms R386T.
Identifiers: ClinVar variation 1924610 (VCV001924610.5), dbSNP rs773868602, ClinGen allele CA1011326.
Genomic context (GRCh38, chr1:112,917,249, plus strand): 5'-GGCCCCAGGAGGACAGGACAGCATTCCACAATGGTCACCAATCCCACAGCGCTGGAGAAC[C>G]TCTGGGGTCCAACAAGGTCCATCAATGTTTCAAACAATACGGAGCTGAGCCACCCGAAGG-3'
Protein context (NP_003042.3, residues 376-396): ETLMDLVGPQ[Arg386Thr]FSSAVGLVTI